The following is an entry in ClinVar:

NM_001244008.2(KIF1A):c.1856C>T (p.Ala619Val)

Gene: KIF1A (kinesin family member 1A; minus strand). Cytogenetic location: 2q37.3.
Variant type: single nucleotide variant.
Coding change: c.1856C>T on transcript NM_001244008.2 (MANE Select); coding-DNA position 1856, C replaced by T.
Protein change: p.Ala619Val; replaces alanine 619 with valine.
Molecular consequence: missense variant.
Genome position (GRCh38, 1-based): chr2:240,763,259, G>A on the plus strand (C>T on the coding strand, the complement: KIF1A is on the minus strand). VCF-style: chr2-240763259-G-A. GRCh37 (hg19) VCF-style: chr2-241702676-G-A.
Other names: c.1856C>T, p.Ala619Val (NM_001320705.2, NM_001330289.2, NM_001379638.1); c.1931C>T, p.Ala644Val (NM_001330290.2, NM_001379631.1, NM_001379634.1 and 2 more transcripts); c.1829C>T, p.Ala610Val (NM_001379632.1, NM_001379633.1, NM_001379636.1 and 10 more transcripts); c.1904C>T, p.Ala635Val (NM_001379637.1, NM_001379648.1); short protein forms A610V, A619V, A644V, A635V.
Identifiers: ClinVar variation 234824 (VCV000234824.15), dbSNP rs765812659, ClinGen allele CA2208262.

ClinVar aggregate classification (germline): Conflicting classifications of pathogenicity. Review status: criteria provided, conflicting classifications (1 of 4 stars). 3 submissions from 3 submitters: Uncertain significance (2); Likely benign (1). Last evaluated 2025-12-17.

Conditions:
Hereditary spastic paraplegia 30. Identifiers: Orphanet 101010, MedGen C5235139, MONDO:0012476.
Neuropathy, hereditary sensory, type 2C. Also called: Hereditary sensory and autonomic neuropathy type IIC; KIF1A-Related HSAN2 (HSAN2C). Identifiers: Orphanet 970, MedGen C3280168, MONDO:0013634, OMIM 614213.
Intellectual disability, autosomal dominant 9 (NESCAVS). Also called: KIF1A-Related Neurodevelopmental Disorder; NESCAV SYNDROME. Identifiers: Orphanet 662367, MedGen C5393830, MONDO:0013656, OMIM 614255.

Allele frequency attached by ClinVar (database versions not stated): gnomAD exomes 0.00008; gnomAD 0.00010 and 0.00012; TOPMed 0.00013; ExAC 0.00015.
gnomAD v4.1: 86 of 1,611,958 alleles (0.0053%); highest among the groups gnomAD compares: Middle Eastern, 0.033%; no homozygotes.

Submissions (3):

Labcorp Genetics (formerly Invitae), Labcorp
Classification: Likely benign for Hereditary spastic paraplegia 30; Neuropathy, hereditary sensory, type 2C; Intellectual disability, autosomal dominant 9. Last evaluated: 2025-12-17. Review status: criteria provided, single submitter. Criteria: Invitae Variant Classification Sherloc (09022015). Collection method: clinical testing. Allele origin: germline.

GeneDx
Classification: Uncertain significance. Last evaluated: 2025-03-11. Review status: criteria provided, single submitter. Criteria: GeneDx Variant Classification Process June 2021. Collection method: clinical testing. Allele origin: germline. Affected: yes.
Comment: In silico analysis indicates that this missense variant does not alter protein structure/function; Has not been previously published as pathogenic or benign to our knowledge

Illumina Laboratory Services, Illumina
Classification: Uncertain significance for Spastic paraplegia 30A, autosomal dominant. Last evaluated: 2018-01-13. Review status: criteria provided, single submitter. Criteria: ICSL Variant Classification Criteria 13 December 2019. Collection method: clinical testing. Allele origin: germline.